The following is an entry in ClinVar:

NM_004360.5(CDH1):c.2257del (p.Tyr753fs)

Gene: CDH1 (cadherin 1; plus strand). Cytogenetic location: 16q22.1.
Variant type: Deletion.
Coding change: c.2257del on transcript NM_004360.5 (MANE Select); coding-DNA position 2257, one base deleted (T; older notation c.2257delT).
Protein change: p.Tyr753fs; shifts the reading frame from tyrosine 753.
Molecular consequence: frameshift variant.
Genome position (GRCh38, 1-based): chr16:68,828,266, T deleted; the last of 3 consecutive T bases (chr16:68,828,264-68,828,266); deleting any one gives the same sequence. VCF-style (leftmost placement, unchanged base first): chr16-68828263-GT-G. GRCh37 (hg19) VCF-style: chr16-68862166-GT-G.
Other names: c.2074del, p.Tyr692fs (NM_001317184.2); c.709del, p.Tyr237fs (NM_001317185.2); c.292del, p.Tyr98fs (NM_001317186.2); short protein forms Y237fs, Y692fs, Y753fs, Y98fs.
Identifiers: ClinVar variation 5042474 (VCV005042474.1).

ClinVar aggregate classification (germline): Pathogenic (1 of 4 stars; one submission).

Conditions:
Hereditary diffuse gastric adenocarcinoma (HDGC). Also called: DIFFUSE GASTRIC AND LOBULAR BREAST CANCER SYNDROME. Identifiers: Orphanet 26106, MedGen C1708349, MONDO:0007648, OMIM 137215.

Submission:

Myriad Genetics, Inc.
Classification: Pathogenic for Hereditary diffuse gastric adenocarcinoma. Last evaluated: 2026-07-28. Review status: criteria provided, single submitter. Criteria: Myriad Autosomal Dominant, Autosomal Recessive and X-Linked Classification Criteria (2023). Collection method: clinical testing. Allele origin: unknown.
Comment: This variant is considered pathogenic. This variant creates a frameshift predicted to result in premature protein truncation.